The following is an entry in ClinVar:

NM_005422.4(TECTA):c.2801C>G (p.Ala934Gly)

Genes: TBCEL-TECTA (TBCEL-TECTA readthrough; plus strand), TECTA (tectorin alpha; plus strand), LOC126861365 (P300/CBP strongly-dependent group 1 enhancer GRCh37_chr11:121000154-121001353; plus strand). Cytogenetic location: 11q23.3.
Variant type: single nucleotide variant.
Coding change: c.2801C>G on transcript NM_005422.4 (MANE Select); coding-DNA position 2801, C replaced by G.
Protein change: p.Ala934Gly; replaces alanine 934 with glycine.
Molecular consequence: missense variant.
Genome position (GRCh38, 1-based): chr11:121,130,071, C>G. VCF-style: chr11-121130071-C-G. GRCh37 (hg19) VCF-style: chr11-121000780-C-G.
Other names: c.3758C>G, p.Ala1253Gly (NM_001378761.1); short protein forms A1253G, A934G.
Identifiers: ClinVar variation 2013554 (VCV002013554.4), dbSNP rs756034372, ClinGen allele CA383017259.

ClinVar aggregate classification (germline): Uncertain significance (1 of 4 stars; one submission).

Submission:

Labcorp Genetics (formerly Invitae), Labcorp
Classification: Uncertain significance. Last evaluated: 2022-07-13. Review status: criteria provided, single submitter. Criteria: Invitae Variant Classification Sherloc (09022015). Collection method: clinical testing. Allele origin: germline.
Comment: Algorithms developed to predict the effect of missense changes on protein structure and function (SIFT, PolyPhen-2, Align-GVGD) all suggest that this variant is likely to be tolerated. This sequence change replaces alanine, which is neutral and non-polar, with glycine, which is neutral and non-polar, at codon 934 of the TECTA protein (p.Ala934Gly). This variant is not present in population databases (gnomAD no frequency). This variant has not been reported in the literature in individuals affected with TECTA-related conditions. In summary, the available evidence is currently insufficient to determine the role of this variant in disease. Therefore, it has been classified as a Variant of Uncertain Significance.